The following is an entry in ClinVar:

ClinVar aggregate classification (germline): Pathogenic (1 of 4 stars; one submission).

Conditions:
Ciliary dyskinesia, primary, 37 (CILD37). Also called: CILIARY DYSKINESIA, PRIMARY, 37, WITH OR WITHOUT SITUS INVERSUS. Identifiers: MedGen C4539798, MONDO:0033204, OMIM 617577.
Spermatogenic failure 18. Identifiers: MedGen C4539783, MONDO:0054615, OMIM 617576.

Allele frequency attached by ClinVar (database versions not stated): gnomAD exomes 0.00001; TOPMed 0.00001; gnomAD 0.00002.
gnomAD v4.1: 18 of 1,613,736 alleles (0.0011%); highest among the groups gnomAD compares: African/African-American, 0.0053%; no homozygotes.

Submission:

Labcorp Genetics (formerly Invitae), Labcorp
Classification: Pathogenic for Ciliary dyskinesia, primary, 37; Spermatogenic failure 18. Last evaluated: 2024-05-06. Review status: criteria provided, single submitter. Criteria: Invitae Variant Classification Sherloc (09022015). Collection method: clinical testing. Allele origin: germline.
Comment: This sequence change creates a premature translational stop signal (p.Arg3366*) in the DNAH1 gene. It is expected to result in an absent or disrupted protein product. Loss-of-function variants in DNAH1 are known to be pathogenic (PMID: 27573432, 27798045). This variant is present in population databases (no rsID available, gnomAD 0.008%). This variant has not been reported in the literature in individuals affected with DNAH1-related conditions. For these reasons, this variant has been classified as Pathogenic.

Literature cited by the submitters: PubMed 27573432; PubMed 27798045.

NM_015512.5(DNAH1):c.10096C>T (p.Arg3366Ter)

Gene: DNAH1 (dynein axonemal heavy chain 1; plus strand). Cytogenetic location: 3p21.1.
Variant type: single nucleotide variant.
Coding change: c.10096C>T on transcript NM_015512.5 (MANE Select); coding-DNA position 10096, C replaced by T.
Protein change: p.Arg3366Ter; replaces arginine 3366 with a stop codon.
Molecular consequence: nonsense.
Genome position (GRCh38, 1-based): chr3:52,392,507, C>T. VCF-style: chr3-52392507-C-T. GRCh37 (hg19) VCF-style: chr3-52426523-C-T.
Other names: short protein forms R3366*.
Identifiers: ClinVar variation 2924067 (VCV002924067.3), dbSNP rs1201471880, ClinGen allele CA353200378.